The following is an entry in ClinVar:

NM_000179.3(MSH6):c.3653_3667dup (p.Gly1218_Phe1222dup)

Gene: MSH6 (mutS homolog 6; plus strand). Cytogenetic location: 2p16.3.
Variant type: Duplication.
Coding change: c.3653_3667dup on transcript NM_000179.3 (MANE Select); coding-DNA positions 3653 to 3667, 15 bases duplicated (GTACTGCAACATTTG).
Protein change: p.Gly1218_Phe1222dup.
Molecular consequence: inframe insertion.
Genome position (GRCh38, 1-based): chr2:47,806,210-47,806,224, GTACTGCAACATTTG duplicated; duplicating any 15 consecutive bases within chr2:47,806,209-47,806,224 gives the same sequence; the c. name uses the placement nearest the transcript's 3' end. VCF-style (leftmost placement, unchanged base first): chr2-47806208-A-AGGTACTGCAACATTT. GRCh37 (hg19) VCF-style: chr2-48033347-A-AGGTACTGCAACATTT.
Other names: c.3263_3277dup, p.Gly1088_Phe1092dup (NM_001281492.2); c.2747_2761dup, p.Gly916_Phe920dup (NM_001281493.2, NM_001281494.2).
Identifiers: ClinVar variation 963534 (VCV000963534.10), dbSNP rs1670040131, ClinGen allele CA1139656972.

ClinVar aggregate classification (germline): Uncertain significance (1 of 4 stars; one submission).

Conditions:
Hereditary nonpolyposis colorectal neoplasms. Identifiers: MedGen C0009405, MeSH D003123.

Submission:

Labcorp Genetics (formerly Invitae), Labcorp
Classification: Uncertain significance for Hereditary nonpolyposis colorectal neoplasms. Last evaluated: 2025-08-07. Review status: criteria provided, single submitter. Criteria: Invitae Variant Classification Sherloc (09022015). Collection method: clinical testing. Allele origin: germline.
Comment: This variant, c.3653_3667dup, results in the insertion of 5 amino acid(s) of the MSH6 protein (p.Gly1218_Phe1222dup), but otherwise preserves the integrity of the reading frame. This variant is not present in population databases (gnomAD no frequency). This variant has been observed in individual(s) with clinical features of Lynch syndrome (internal data). ClinVar contains an entry for this variant (Variation ID: 963534). In summary, the available evidence is currently insufficient to determine the role of this variant in disease. Therefore, it has been classified as a Variant of Uncertain Significance.